The following is an entry in ClinVar:

ClinVar aggregate classification (germline): Uncertain significance (1 of 4 stars; one submission).

gnomAD v4.1: 8 of 1,608,472 alleles (0.0005%); highest among the groups gnomAD compares: African/African-American, 0.0027%; no homozygotes.

Submission:

Labcorp Genetics (formerly Invitae), Labcorp
Classification: Uncertain significance. Last evaluated: 2024-07-03. Review status: criteria provided, single submitter. Criteria: Invitae Variant Classification Sherloc (09022015). Collection method: clinical testing. Allele origin: germline.
Comment: This sequence change replaces arginine, which is basic and polar, with tryptophan, which is neutral and slightly polar, at codon 728 of the FGFR3 protein (p.Arg728Trp). The frequency data for this variant in the population databases is considered unreliable, as metrics indicate poor data quality at this position in the gnomAD database. This variant has not been reported in the literature in individuals affected with FGFR3-related conditions. Advanced modeling of protein sequence and biophysical properties (such as structural, functional, and spatial information, amino acid conservation, physicochemical variation, residue mobility, and thermodynamic stability) has been performed at Invitae for this missense variant, however the output from this modeling did not meet the statistical confidence thresholds required to predict the impact of this variant on FGFR3 protein function. In summary, the available evidence is currently insufficient to determine the role of this variant in disease. Therefore, it has been classified as a Variant of Uncertain Significance.

NM_000142.5(FGFR3):c.2182C>T (p.Arg728Trp)

Gene: FGFR3 (fibroblast growth factor receptor 3; plus strand). Cytogenetic location: 4p16.3.
Variant type: single nucleotide variant.
Coding change: c.2182C>T on transcript NM_000142.5 (MANE Select); coding-DNA position 2182, C replaced by T.
Protein change: p.Arg728Trp; replaces arginine 728 with tryptophan.
Molecular consequence: missense variant. On other transcripts: non-coding transcript variant (1).
Genome position (GRCh38, 1-based): chr4:1,806,842, C>T. VCF-style: chr4-1806842-C-T. GRCh37 (hg19) VCF-style: chr4-1808569-C-T.
Other names: c.2188C>T, p.Arg730Trp (NM_001163213.2); c.2185C>T, p.Arg729Trp (NM_001354809.2); c.2114C>T, p.Ala705Val (NM_001354810.2); c.1846C>T, p.Arg616Trp (NM_022965.4); short protein forms A705V, R616W, R728W, R729W, R730W.
Identifiers: ClinVar variation 3631063 (VCV003631063.2).